The following is an entry in ClinVar:

NM_020693.4(DSCAML1):c.*5C>G

Gene: DSCAML1 (DS cell adhesion molecule like 1; minus strand). Cytogenetic location: 11q23.3.
Variant type: single nucleotide variant.
Coding change: c.*5C>G on transcript NM_020693.4 (MANE Select); 5 bases downstream of the stop codon, C replaced by G.
Molecular consequence: 3 prime UTR variant.
Genome position (GRCh38, 1-based): chr11:117,428,323, G>C on the plus strand (C>G on the coding strand, the complement: DSCAML1 is on the minus strand). VCF-style: chr11-117428323-G-C. GRCh37 (hg19) VCF-style: chr11-117299039-G-C.
Identifiers: ClinVar variation 3060836 (VCV003060836.2), dbSNP rs3741283, ClinGen allele CA6295844.

ClinVar aggregate classification (germline): Benign (0 of 4 stars; one submission).

Conditions:
DSCAML1-related disorder. Also called: DSCAML1-related condition.

Allele frequency attached by ClinVar (database versions not stated): 1000 Genomes Project 0.35483; TOPMed 0.35773; ESP Exome Variant Server 0.36284.
gnomAD v4.1: 453,981 of 1,479,982 alleles (31%); highest among the groups gnomAD compares: African/African-American, 58%; 75,392 homozygotes.

Submission:

PreventionGenetics, part of Exact Sciences
Classification: Benign for DSCAML1-related condition. Last evaluated: 2019-10-17. Review status: no assertion criteria provided. Collection method: clinical testing. Allele origin: germline.
Comment: This variant is classified as benign based on ACMG/AMP sequence variant interpretation guidelines (Richards et al. 2015 PMID: 25741868, with internal and published modifications).